The following is an entry in ClinVar:

ClinVar aggregate classification (germline): Uncertain significance (1 of 4 stars; one submission).

Conditions:
Peroxisome biogenesis disorder 5A (Zellweger) (PBD5A). Identifiers: Orphanet 912, MedGen C3553940, MONDO:0013932, OMIM 614866.

Allele frequency attached by ClinVar (database versions not stated): gnomAD exomes below 0.00001.
gnomAD v4.1: 1 of 1,614,066 alleles (0.000062%); highest among the groups gnomAD compares: African/African-American, 0.0013%; no homozygotes.

Submission:

Labcorp Genetics (formerly Invitae), Labcorp
Classification: Uncertain significance for Peroxisome biogenesis disorder 5A (Zellweger). Last evaluated: 2023-10-03. Review status: criteria provided, single submitter. Criteria: Invitae Variant Classification Sherloc (09022015). Collection method: clinical testing. Allele origin: germline.
Comment: This sequence change replaces leucine, which is neutral and non-polar, with phenylalanine, which is neutral and non-polar, at codon 210 of the PEX2 protein (p.Leu210Phe). This variant is present in population databases (no rsID available, gnomAD 0.007%). This variant has not been reported in the literature in individuals affected with PEX2-related conditions. ClinVar contains an entry for this variant (Variation ID: 1395271). Advanced modeling of protein sequence and biophysical properties (such as structural, functional, and spatial information, amino acid conservation, physicochemical variation, residue mobility, and thermodynamic stability) performed at Invitae indicates that this missense variant is not expected to disrupt PEX2 protein function. In summary, the available evidence is currently insufficient to determine the role of this variant in disease. Therefore, it has been classified as a Variant of Uncertain Significance.

NM_000318.3(PEX2):c.628C>T (p.Leu210Phe)

Gene: PEX2 (peroxisomal biogenesis factor 2; minus strand). Cytogenetic location: 8q21.13.
Variant type: single nucleotide variant.
Coding change: c.628C>T on transcript NM_000318.3 (MANE Select); coding-DNA position 628, C replaced by T.
Protein change: p.Leu210Phe; replaces leucine 210 with phenylalanine.
Molecular consequence: missense variant.
Genome position (GRCh38, 1-based): chr8:76,983,551, G>A on the plus strand (C>T on the coding strand, the complement: PEX2 is on the minus strand). VCF-style: chr8-76983551-G-A. GRCh37 (hg19) VCF-style: chr8-77895787-G-A.
Other names: c.628C>T, p.Leu210Phe (NM_001079867.2, NM_001172086.2, NM_001172087.2); short protein forms L210F.
Identifiers: ClinVar variation 1395271 (VCV001395271.7), dbSNP rs1420998615, ClinGen allele CA371556924.